The following is an entry in ClinVar:

NM_080425.4(GNAS):c.2069-5325_2069-5302del

Gene: GNAS (GNAS complex locus; plus strand). Cytogenetic location: 20q13.32.
Variant type: Deletion.
Coding change: c.2069-5325_2069-5302del on transcript NM_080425.4 (MANE Plus Clinical); 5325 bases into the intron before coding-DNA position 2069 through 5302 bases into the intron before coding-DNA position 2069, 24 bases deleted (AGGGCGCCGAGGAGGGCGCCGTCG).
Molecular consequence: intron variant.
Genome position (GRCh38, 1-based): chr20:58,890,287-58,890,310, AGGGCGCCGAGGAGGGCGCCGTCG deleted; deleting any 24 consecutive bases within chr20:58,890,285-58,890,310 gives the same sequence; the c. name uses the placement nearest the transcript's 3' end. VCF-style (leftmost placement, unchanged base first): chr20-58890284-ACGAGGGCGCCGAGGAGGGCGCCGT-A. GRCh37 (hg19) VCF-style: chr20-57465339-ACGAGGGCGCCGAGGAGGGCGCCGT-A.
Other names: c.*43-5325_*43-5302del (NM_016592.5); c.44-5325_44-5302del (NM_001410912.1); c.-38-5325_-38-5302del (NM_001309861.2); c.*1-5325_*1-5302del (NM_001077490.3); c.2069-5325_2069-5302del (NM_001410913.1); c.*159-5325_*159-5302del (NM_001309883.1); c.-39+934_-39+957del (NM_001438273.1, NM_001309840.2); c.-39+955_-39+978del (NM_001439291.1, NM_001438274.1).
Identifiers: ClinVar variation 4084881 (VCV004084881.8).
Genomic context (GRCh38, chr20:58,890,284, plus strand): 5'-AAGCCCAGGAGGAGGCCCGATGCCCCGAGGCCGCCGCCGCCGCGGCCGCCGCCGACGACG[ACGAGGGCGCCGAGGAGGGCGCCGT>A]CGGGGGCGCCGAGGAGGGCGCCGCCGCCGGGGGCACGAGTAGGGCCTGGGCTGACTGGGA-3'

ClinVar aggregate classification (germline): Likely benign (1 of 4 stars; one submission).

Submission:

CeGaT Center for Human Genetics Tuebingen
Classification: Likely benign. Last evaluated: 2026-09-01. Review status: criteria provided, single submitter. Criteria: CeGaT Center For Human Genetics Tuebingen Variant Classification Criteria Version 2. Collection method: clinical testing. Allele origin: germline. Affected: yes. Observed: 3 variant alleles.
Comment: GNAS: BS1